The following is an entry in ClinVar:

NM_022455.5(NSD1):c.1729A>T (p.Thr577Ser)

Gene: NSD1 (nuclear receptor binding SET domain protein 1; plus strand). Cytogenetic location: 5q35.3.
Variant type: single nucleotide variant.
Coding change: c.1729A>T on transcript NM_022455.5 (MANE Select); coding-DNA position 1729, A replaced by T.
Protein change: p.Thr577Ser; replaces threonine 577 with serine.
Molecular consequence: missense variant.
Genome position (GRCh38, 1-based): chr5:177,210,128, A>T. VCF-style: chr5-177210128-A-T. GRCh37 (hg19) VCF-style: chr5-176637129-A-T.
Other names: c.856A>T, p.Thr286Ser (NM_001365684.2, NM_001409306.1, NM_001409307.1 and 3 more transcripts); c.1729A>T, p.Thr577Ser (NM_001409301.1, NM_001409302.1, NM_001409303.1); c.1309A>T, p.Thr437Ser (NM_001409304.1); c.976A>T, p.Thr326Ser (NM_001409305.1); short protein forms T308S, T577S, T286S, T437S, T326S.
Identifiers: ClinVar variation 643914 (VCV000643914.9), dbSNP rs370153971, ClinGen allele CA3577137.
Genomic context (GRCh38, chr5:177,210,128, plus strand): 5'-AGCCTCACAGGGTCCAACACTGCCCCAGGAAGTTTTCTGTTTTCTTCCTGTGGAAAAAAC[A>T]CTGCAAAGAAAGAATTTGAGACTTCAAATGGTGACTCTTTATTGGGCTTGCCTGAGGGTG-3'
Protein context (NP_071900.2, residues 567-587): SFLFSSCGKN[Thr577Ser]AKKEFETSNG

ClinVar aggregate classification (germline): Uncertain significance (1 of 4 stars; one submission).

Allele frequency attached by ClinVar (database versions not stated): gnomAD exomes below 0.00001; ExAC 0.00001; ESP Exome Variant Server 0.00008.

Submission:

Labcorp Genetics (formerly Invitae), Labcorp
Classification: Uncertain significance. Last evaluated: 2018-11-28. Review status: criteria provided, single submitter. Criteria: Invitae Variant Classification Sherloc (09022015). Collection method: clinical testing. Allele origin: germline.
Comment: This variant has not been reported in the literature in individuals with NSD1-related conditions. This sequence change replaces threonine with serine at codon 577 of the NSD1 protein (p.Thr577Ser). The threonine residue is weakly conserved and there is a small physicochemical difference between threonine and serine. This variant is present in population databases (rs370153971, ExAC 0.01%). Algorithms developed to predict the effect of missense changes on protein structure and function output the following: SIFT: "Tolerated"; PolyPhen-2: "Benign"; Align-GVGD: "Class C0". The serine amino acid residue is found in multiple mammalian species, suggesting that this missense change does not adversely affect protein function. These predictions have not been confirmed by published functional studies and their clinical significance is uncertain. In summary, the available evidence is currently insufficient to determine the role of this variant in disease. Therefore, it has been classified as a Variant of Uncertain Significance.